The following is an entry in ClinVar:

ClinVar aggregate classification (germline): Conflicting classifications of pathogenicity. Review status: criteria provided, conflicting classifications (1 of 4 stars). 2 submissions from 2 submitters: Uncertain significance (1); Likely benign (1). Last evaluated 2024-12-12.

Conditions:
Inborn genetic diseases. Identifiers: MedGen C0950123, MeSH D030342.
Cataract 14 multiple types. Also called: CATARACT 14, ZONULAR PULVERULENT; CATARACT 14, NUCLEAR PULVERULENT; CATARACT 14, NUCLEAR PULVERULENT AND POSTERIOR POLAR; CATARACT 14, NUCLEAR CORALLIFORM; CATARACT 14, EMBRYONAL NUCLEAR; CATARACT 14, COPPOCK-LIKE. Identifiers: Orphanet 91492, MedGen C1866078, MONDO:0011162, OMIM 601885.

Allele frequency attached by ClinVar (database versions not stated): gnomAD 0.00001; TOPMed 0.00002.

Submissions (2):

Labcorp Genetics (formerly Invitae), Labcorp
Classification: Uncertain significance for Cataract 14 multiple types. Last evaluated: 2024-12-12. Review status: criteria provided, single submitter. Criteria: Invitae Variant Classification Sherloc (09022015). Collection method: clinical testing. Allele origin: germline.
Comment: This sequence change replaces proline, which is neutral and non-polar, with glutamine, which is neutral and polar, at codon 360 of the GJA3 protein (p.Pro360Gln). This variant is not present in population databases (gnomAD no frequency). This variant has not been reported in the literature in individuals affected with GJA3-related conditions. ClinVar contains an entry for this variant (Variation ID: 3099945). Invitae Evidence Modeling of protein sequence and biophysical properties (such as structural, functional, and spatial information, amino acid conservation, physicochemical variation, residue mobility, and thermodynamic stability) indicates that this missense variant is not expected to disrupt GJA3 protein function with a negative predictive value of 95%. In summary, the available evidence is currently insufficient to determine the role of this variant in disease. Therefore, it has been classified as a Variant of Uncertain Significance.

Ambry Genetics
Classification: Likely benign for Inborn genetic diseases. Last evaluated: 2024-02-21. Review status: criteria provided, single submitter. Criteria: Ambry Variant Classification Scheme 2023. Collection method: clinical testing. Allele origin: germline.

NM_021954.4(GJA3):c.1079C>A (p.Pro360Gln)

Gene: GJA3 (gap junction protein alpha 3; minus strand). Cytogenetic location: 13q12.11.
Variant type: single nucleotide variant.
Coding change: c.1079C>A on transcript NM_021954.4 (MANE Select); coding-DNA position 1079, C replaced by A.
Protein change: p.Pro360Gln; replaces proline 360 with glutamine.
Molecular consequence: missense variant.
Genome position (GRCh38, 1-based): chr13:20,142,210, G>T on the plus strand (C>A on the coding strand, the complement: GJA3 is on the minus strand). VCF-style: chr13-20142210-G-T. GRCh37 (hg19) VCF-style: chr13-20716349-G-T.
Other names: short protein forms P360Q.
Identifiers: ClinVar variation 3099945 (VCV003099945.3), dbSNP rs1264843070, ClinGen allele CA387462785.